The following is an entry in ClinVar:

ClinVar aggregate classification (germline): Uncertain significance (1 of 4 stars; one submission).

Conditions:
Cardiovascular phenotype. Identifiers: MedGen CN230736.

Submission:

Ambry Genetics
Classification: Uncertain significance for Cardiovascular phenotype. Last evaluated: 2025-12-16. Review status: criteria provided, single submitter. Criteria: Ambry Variant Classification Scheme 2023. Collection method: clinical testing. Allele origin: germline.
Comment: The p.A312T variant (also known as c.934G>A), located in coding exon 1 of the ZNF469 gene, results from a G to A substitution at nucleotide position 934. The alanine at codon 312 is replaced by threonine, an amino acid with similar properties. This amino acid position is conserved. In addition, this alteration is predicted to be tolerated by in silico analysis. Based on the available evidence, the clinical significance of this variant remains unclear.

NM_001127464.1:c.934G>A

Gene: ZNF469 (zinc finger protein 469; plus strand).
Variant type: single nucleotide variant.
Identifiers: ClinVar variation 4842231 (VCV004842231.1).